The following is an entry in ClinVar:

NM_018718.2(CEP41):c.-178C>T

Gene: CEP41 (centrosomal protein 41; minus strand). Cytogenetic location: 7q32.2.
Variant type: single nucleotide variant.
Coding change: c.-178C>T on transcript NM_018718.2; 178 bases upstream of the start codon, C replaced by T.
Genome position (GRCh38, 1-based): chr7:130,441,144, G>A on the plus strand (C>T on the coding strand, the complement: CEP41 is on the minus strand). VCF-style: chr7-130441144-G-A. GRCh37 (hg19) VCF-style: chr7-130080985-G-A.
Identifiers: ClinVar variation 358948 (VCV000358948.9), dbSNP rs10230670, ClinGen allele CA4485801.
Genomic context (GRCh38, chr7:130,441,144, plus strand): 5'-GTCTTCCCCGGCCGGCCAATGGGGGCCCCGTTTACTCTCTCATCTCAGGGTCGCAGAAGG[G>A]CAAGACGCCGCTCAATGGTTGCCAAGGGCAACGCGGGACGCCGGCTAGCGAGGCCTTTTG-3'

ClinVar aggregate classification (germline): Benign/Likely benign. Review status: criteria provided, multiple submitters, no conflicts (2 of 4 stars). 2 submissions from 2 submitters: Benign (1); Likely benign (1). Last evaluated 2018-06-14.

Allele frequency attached by ClinVar (database versions not stated): 1000 Genomes Project 0.05491; TOPMed 0.06402; 1000 Genomes Project 30x 0.06012.

Submissions (2):

GeneDx
Classification: Benign. Last evaluated: 2018-06-14. Review status: criteria provided, single submitter. Criteria: GeneDx Variant Classification (06012015). Collection method: clinical testing. Allele origin: germline. Affected: yes.
Comment: This variant is considered likely benign or benign based on one or more of the following criteria: it is a conservative change, it occurs at a poorly conserved position in the protein, it is predicted to be benign by multiple in silico algorithms, and/or has population frequency not consistent with disease.

Breakthrough Genomics
Classification: Likely benign. Review status: criteria provided, single submitter. Criteria: ACMG Guidelines, 2015. Collection method: not provided. Allele origin: germline. Inheritance: Autosomal recessive inheritance. Affected: yes.